The following is an entry in ClinVar:

NM_000057.4(BLM):c.1685A>T (p.Asp562Val)

Gene: BLM (BLM RecQ like helicase; plus strand). Cytogenetic location: 15q26.1.
Variant type: single nucleotide variant.
Coding change: c.1685A>T on transcript NM_000057.4 (MANE Select); coding-DNA position 1685, A replaced by T.
Protein change: p.Asp562Val; replaces aspartic acid 562 with valine.
Molecular consequence: missense variant.
Genome position (GRCh38, 1-based): chr15:90,761,058, A>T. VCF-style: chr15-90761058-A-T. GRCh37 (hg19) VCF-style: chr15-91304288-A-T.
Other names: c.1685A>T, p.Asp562Val (NM_001287246.2, NM_001287247.2); c.560A>T, p.Asp187Val (NM_001287248.2); short protein forms D187V, D562V.
Identifiers: ClinVar variation 1434095 (VCV001434095.6), dbSNP rs2151158749, ClinGen allele CA393843614.

ClinVar aggregate classification (germline): Uncertain significance (1 of 4 stars; one submission).

Conditions:
Bloom syndrome (BLM). Also called: Bloom-Torre-Machacek syndrome. Identifiers: Orphanet 125, MedGen C0005859, MONDO:0008876, OMIM 210900.

Submission:

Labcorp Genetics (formerly Invitae), Labcorp
Classification: Uncertain significance for Bloom syndrome. Last evaluated: 2021-09-19. Review status: criteria provided, single submitter. Criteria: Invitae Variant Classification Sherloc (09022015). Collection method: clinical testing. Allele origin: germline.
Comment: In summary, the available evidence is currently insufficient to determine the role of this variant in disease. Therefore, it has been classified as a Variant of Uncertain Significance. Algorithms developed to predict the effect of missense changes on protein structure and function are either unavailable or do not agree on the potential impact of this missense change (SIFT: "Tolerated"; PolyPhen-2: "Possibly Damaging"; Align-GVGD: "Class C0"). This variant has not been reported in the literature in individuals affected with BLM-related conditions. This variant is not present in population databases (ExAC no frequency). This sequence change replaces aspartic acid with valine at codon 562 of the BLM protein (p.Asp562Val). The aspartic acid residue is weakly conserved and there is a large physicochemical difference between aspartic acid and valine.